The following is an entry in ClinVar:

ClinVar aggregate classification (germline): Uncertain significance. Review status: criteria provided, multiple submitters, no conflicts (2 of 4 stars). 3 submissions from 3 submitters: Uncertain significance (3). Last evaluated 2025-01-17.

Conditions:
Cardiovascular phenotype. Identifiers: MedGen CN230736.
Brugada syndrome. Also called: Sudden unexpected nocturnal death syndrome; Sudden Unexplained Death Syndrome; Sudden Unexplained Nocturnal Death Syndrome (SUNDS); Sudden unexplained nocturnal death syndrome. Identifiers: Orphanet 130, MedGen C1142166, MONDO:0015263.

Allele frequency attached by ClinVar (database versions not stated): TOPMed 0.00002.
gnomAD v4.1: 29 of 1,613,782 alleles (0.0018%); highest among the groups gnomAD compares: Middle Eastern, 0.034%; 1 homozygote.

Submissions (3):

Labcorp Genetics (formerly Invitae), Labcorp
Classification: Uncertain significance for Brugada syndrome. Last evaluated: 2025-01-17. Review status: criteria provided, single submitter. Criteria: Invitae Variant Classification Sherloc (09022015). Collection method: clinical testing. Allele origin: germline.
Comment: This sequence change replaces arginine, which is basic and polar, with tryptophan, which is neutral and slightly polar, at codon 1259 of the SCN10A protein (p.Arg1259Trp). This variant is present in population databases (rs765230695, gnomAD 0.008%). This variant has not been reported in the literature in individuals affected with SCN10A-related conditions. ClinVar contains an entry for this variant (Variation ID: 837132). Invitae Evidence Modeling of protein sequence and biophysical properties (such as structural, functional, and spatial information, amino acid conservation, physicochemical variation, residue mobility, and thermodynamic stability) indicates that this missense variant is expected to disrupt SCN10A protein function with a positive predictive value of 80%. In summary, the available evidence is currently insufficient to determine the role of this variant in disease. Therefore, it has been classified as a Variant of Uncertain Significance.

Ambry Genetics
Classification: Uncertain significance for Cardiovascular phenotype. Last evaluated: 2022-09-17. Review status: criteria provided, single submitter. Criteria: Ambry Variant Classification Scheme 2023. Collection method: clinical testing. Allele origin: germline.
Comment: The p.R1259W variant (also known as c.3775C>T), located in coding exon 21 of the SCN10A gene, results from a C to T substitution at nucleotide position 3775. The arginine at codon 1259 is replaced by tryptophan, an amino acid with dissimilar properties. Another variant affecting this codon (p.R1259Q, c.3776G>A) has been detected in an individual with QTc prolongation and atrial fibrillation (Abou Ziki MD et al. Clin. Genet., 2018 04;93:741-751). This amino acid position is highly conserved in available vertebrate species. In addition, this alteration is predicted to be deleterious by in silico analysis. Since supporting evidence is limited at this time, the clinical significance of this alteration remains unclear.

GeneDx
Classification: Uncertain significance. Last evaluated: 2019-10-24. Review status: criteria provided, single submitter. Criteria: GeneDx Variant Classification Process June 2021. Collection method: clinical testing. Allele origin: germline. Affected: yes.
Comment: Not observed at a significant frequency in large population cohorts (Lek et al., 2016); In silico analysis, which includes protein predictors and evolutionary conservation, supports a deleterious effect; Has not been previously published as pathogenic or benign to our knowledge

Literature cited by the submitters: PubMed 28407228 (cited by Ambry Genetics).

NM_006514.4(SCN10A):c.3775C>T (p.Arg1259Trp)

Gene: SCN10A (sodium voltage-gated channel alpha subunit 10; minus strand). Cytogenetic location: 3p22.2.
Variant type: single nucleotide variant.
Coding change: c.3775C>T on transcript NM_006514.4 (MANE Select); coding-DNA position 3775, C replaced by T.
Protein change: p.Arg1259Trp; replaces arginine 1259 with tryptophan.
Molecular consequence: missense variant.
Genome position (GRCh38, 1-based): chr3:38,713,987, G>A on the plus strand (C>T on the coding strand, the complement: SCN10A is on the minus strand). VCF-style: chr3-38713987-G-A. GRCh37 (hg19) VCF-style: chr3-38755478-G-A.
Other names: c.3772C>T, p.Arg1258Trp (NM_001293306.2); c.3481C>T, p.Arg1161Trp (NM_001293307.2); c.3775C>T (NM_006514.2); short protein forms R1259W, R1161W, R1258W.
Identifiers: ClinVar variation 837132 (VCV000837132.9), dbSNP rs765230695, ClinGen allele CA2320123.
Genomic context (GRCh38, chr3:38,713,987, plus strand): 5'-CAGATGAGAGAAGTTTTGAGATCAGACTTACCCGCATGCCTTCAAATCGAGAAAGAGCCC[G>A]CAGTGGCCGCAGAGCGCGAAGGGTTCGAAGGGCTTTGATGGGAGCCACTTCAGAATATTC-3'
Protein context (NP_006505.4, residues 1249-1269): LRTLRALRPL[Arg1259Trp]ALSRFEGMRV